The following is an entry in ClinVar:

ClinVar aggregate classification (germline): Uncertain significance. Review status: criteria provided, multiple submitters, no conflicts (2 of 4 stars). 2 submissions from 2 submitters: Uncertain significance (2). Last evaluated 2023-04-17.

Conditions:
Developmental and epileptic encephalopathy, 2 (DEE2). Also called: CDKL5 deficiency disorder; INFANTILE SPASM SYNDROME, X-LINKED 2. Identifiers: Orphanet 1934, Orphanet 3451, Orphanet 505652, MedGen C4750718, MONDO:0010396, OMIM 300672.
Angelman syndrome-like. Identifiers: MedGen CN128785.

Allele frequency attached by ClinVar (database versions not stated): TOPMed below 0.00001; gnomAD 0.00002.

Submissions (2):

Labcorp Genetics (formerly Invitae), Labcorp
Classification: Uncertain significance for Developmental and epileptic encephalopathy, 2; Angelman syndrome-like. Last evaluated: 2023-04-17. Review status: criteria provided, single submitter. Criteria: Invitae Variant Classification Sherloc (09022015). Collection method: clinical testing. Allele origin: germline.
Comment: This sequence change falls in intron 18 of the CDKL5 gene. It does not directly change the encoded amino acid sequence of the CDKL5 protein. It affects a nucleotide within the consensus splice site. This variant is present in population databases (no rsID available, gnomAD 0.01%). In summary, the available evidence is currently insufficient to determine the role of this variant in disease. Therefore, it has been classified as a Variant of Uncertain Significance. Variants that disrupt the consensus splice site are a relatively common cause of aberrant splicing (PMID: 17576681, 9536098). Algorithms developed to predict the effect of sequence changes on RNA splicing suggest that this variant may disrupt the consensus splice site. ClinVar contains an entry for this variant (Variation ID: 934074). This variant has been observed in at least one individual who was not affected with CDKL5-related conditions (Invitae). This variant has not been reported in the literature in individuals affected with CDKL5-related conditions.

GeneDx
Classification: Uncertain significance. Last evaluated: 2023-03-23. Review status: criteria provided, single submitter. Criteria: GeneDx Variant Classification Process June 2021. Collection method: clinical testing. Allele origin: germline. Affected: yes.
Comment: Canonical splice site variant predicted to result in a null allele in a gene for which loss of function is a known mechanism of disease; Has not been previously published as pathogenic or benign to our knowledge; This variant is associated with the following publications: (PMID: 29444904)

Literature cited by the submitters: PubMed 17576681 (cited by Labcorp Genetics (formerly Invitae), Labcorp); PubMed 9536098 (cited by Labcorp Genetics (formerly Invitae), Labcorp).

NM_001323289.2(CDKL5):c.2714G>A (p.Gly905Asp)

Gene: CDKL5 (cyclin dependent kinase like 5; plus strand). Cytogenetic location: Xp22.13.
Variant type: single nucleotide variant.
Coding change: c.2714G>A on transcript NM_001323289.2 (MANE Select); coding-DNA position 2714, G replaced by A.
Protein change: p.Gly905Asp; replaces glycine 905 with aspartic acid.
Molecular consequence: missense variant. On other transcripts: splice donor variant (2).
Genome position (GRCh38, 1-based): chrX:18,628,588, G>A. VCF-style: chrX-18628588-G-A. GRCh37 (hg19) VCF-style: chrX-18646708-G-A.
Other names: c.2713+1G>A (NM_003159.3, NM_001037343.2); short protein forms G905D.
Identifiers: ClinVar variation 934074 (VCV000934074.11), dbSNP rs1475195158, ClinGen allele CA412368306.
Genomic context (GRCh38, chrX:18,628,588, plus strand): 5'-GGAGCAGCAACATCCGGCAGGAACCCGCACCGAAGGGCAGGCCAGCCCTCCAGCTGCCAG[G>A]TCAGATGGATCCTGGTTGGCATGTGTCCTCTGTGACCAGGAGTGCCACAGAGGGCCCTTC-3'
Protein context (NP_001310218.1, residues 895-915): PKGRPALQLP[Gly905Asp]QMDPGWHVSS